The following is an entry in ClinVar:

ClinVar aggregate classification (germline): Uncertain significance (1 of 4 stars; one submission).

Submission:

CeGaT Center for Human Genetics Tuebingen
Classification: Uncertain significance. Last evaluated: 2026-04-01. Review status: criteria provided, single submitter. Criteria: CeGaT Center For Human Genetics Tuebingen Variant Classification Criteria Version 2. Collection method: clinical testing. Allele origin: germline. Affected: yes. Observed: 1 variant allele.
Comment: SLC25A42: PM2, PM3:Supporting, PP3

NM_178526.5(SLC25A42):c.214-7T>G

Gene: SLC25A42 (solute carrier family 25 member 42; plus strand). Cytogenetic location: 19p13.11.
Variant type: single nucleotide variant.
Coding change: c.214-7T>G on transcript NM_178526.5 (MANE Select); 7 bases into the intron before coding-DNA position 214, T replaced by G.
Molecular consequence: intron variant.
Genome position (GRCh38, 1-based): chr19:19,105,554, T>G. VCF-style: chr19-19105554-T-G. GRCh37 (hg19) VCF-style: chr19-19216363-T-G.
Other names: c.214-7T>G (NM_001321544.2).
Identifiers: ClinVar variation 4874401 (VCV004874401.2).